The following is an entry in ClinVar:

NM_001277406.2(POTEI):c.258C>G (p.His86Gln)

Gene: POTEI (POTE ankyrin domain family member I; minus strand). Cytogenetic location: 2q21.1.
Variant type: single nucleotide variant.
Coding change: c.258C>G on transcript NM_001277406.2 (MANE Select); coding-DNA position 258, C replaced by G.
Protein change: p.His86Gln; replaces histidine 86 with glutamine.
Molecular consequence: missense variant.
Genome position (GRCh38, 1-based): chr2:130,508,978, G>C on the plus strand (C>G on the coding strand, the complement: POTEI is on the minus strand). VCF-style: chr2-130508978-G-C. GRCh37 (hg19) VCF-style: chr2-131266551-G-C.
Other names: c.258C>G, p.His86Gln (NM_001371926.1); short protein forms H86Q.
Identifiers: ClinVar variation 2651368 (VCV002651368.24), dbSNP rs28660249, ClinGen allele CA1872876.

ClinVar aggregate classification (germline): Likely benign (1 of 4 stars; one submission).

Allele frequency attached by ClinVar (database versions not stated): 1000 Genomes Project 0.00100.
gnomAD v4.1: 225 of 1,593,044 alleles (0.014%); highest among the groups gnomAD compares: Admixed American, 0.07%; 10 homozygotes.

Submission:

CeGaT Center for Human Genetics Tuebingen
Classification: Likely benign. Last evaluated: 2023-06-01. Review status: criteria provided, single submitter. Criteria: CeGaT Center For Human Genetics Tuebingen Variant Classification Criteria Version 2. Collection method: clinical testing. Allele origin: germline. Affected: yes. Observed: 1 variant allele.
Comment: POTEI: BS2